The following is an entry in ClinVar:

ClinVar aggregate classification (germline): Likely pathogenic (1 of 4 stars; one submission).

Conditions:
LAMA2-related muscular dystrophy (LAMA2-RD). Also called: Laminin alpha 2-related dystrophy. Identifiers: MedGen C5679788, MONDO:0100228.

Submission:

Labcorp Genetics (formerly Invitae), Labcorp
Classification: Likely pathogenic for LAMA2-related muscular dystrophy. Last evaluated: 2025-11-19. Review status: criteria provided, single submitter. Criteria: Invitae Variant Classification Sherloc (09022015). Collection method: clinical testing. Allele origin: germline.
Comment: This variant results in the deletion of part of exon 42 (c.6080_6085+1del) of the LAMA2 gene. It is expected to disrupt RNA splicing. Variants that disrupt the donor or acceptor splice site typically lead to a loss of protein function (PMID: 16199547), and loss-of-function variants in LAMA2 are known to be pathogenic (PMID: 18700894, 32904964). This variant is not present in population databases (gnomAD no frequency). This variant has not been reported in the literature in individuals affected with LAMA2-related conditions. In summary, the currently available evidence indicates that the variant is pathogenic, but additional data are needed to prove that conclusively. Therefore, this variant has been classified as Likely Pathogenic.

Literature cited by the submitters: PubMed 16199547; PubMed 18700894; PubMed 32904964.

NM_000426.4(LAMA2):c.6080_6085+1del

Gene: LAMA2 (laminin subunit alpha 2; plus strand). Cytogenetic location: 6q22.33.
Variant type: Deletion.
Coding change: c.6080_6085+1del on transcript NM_000426.4 (MANE Select); coding-DNA position 6080 through the canonical splice donor site of the intron after coding-DNA position 6085, 7 bases deleted (CAAATGG; older notation c.6080_6085+1delCAAATGG).
Molecular consequence: splice donor variant.
Genome position (GRCh38, 1-based): chr6:129,438,757-129,438,763, CAAATGG deleted. VCF-style (leftmost placement, unchanged base first): chr6-129438756-CCAAATGG-C. GRCh37 (hg19) VCF-style: chr6-129759901-CCAAATGG-C.
Other names: c.6080_6085+1del (NM_001079823.2).
Identifiers: ClinVar variation 4776154 (VCV004776154.1).